The following is an entry in ClinVar:

NM_000070.3(CAPN3):c.1308C>T (p.Gly436=)

Gene: CAPN3 (calpain 3; plus strand). Cytogenetic location: 15q15.1.
Variant type: single nucleotide variant.
Coding change: c.1308C>T on transcript NM_000070.3 (MANE Select); coding-DNA position 1308, C replaced by T.
Protein change: p.Gly436=; no amino-acid change (glycine 436 retained).
Molecular consequence: synonymous variant.
Genome position (GRCh38, 1-based): chr15:42,399,606, C>T. VCF-style: chr15-42399606-C-T. GRCh37 (hg19) VCF-style: chr15-42691804-C-T.
Other names: c.1308C>T, p.Gly436= (NM_024344.2); c.1164C>T, p.Gly388= (NM_173087.2).
Identifiers: ClinVar variation 389786 (VCV000389786.13), dbSNP rs372968945, ClinGen allele CA7511315.

ClinVar aggregate classification (germline): Likely benign. Review status: criteria provided, multiple submitters, no conflicts (2 of 4 stars). 3 submissions from 3 submitters: Likely benign (3). Last evaluated 2025-09-28.

Conditions:
Autosomal recessive limb-girdle muscular dystrophy type 2A (LGMDR1). Also called: LEYDEN-MOEBIUS MUSCULAR DYSTROPHY; Muscular dystrophy, limb-girdle, type 2A, Amish; MUSCULAR DYSTROPHY, PELVOFEMORAL; Limb-girdle muscular dystrophy, type 2A; Calpainopathy. Identifiers: Orphanet 267, MedGen C1869123, MONDO:0009675, OMIM 253600. Disease mechanism: loss of function.

Allele frequency attached by ClinVar (database versions not stated): ExAC 0.00004; gnomAD 0.00004; gnomAD exomes 0.00004 and 0.00011; TOPMed 0.00004; ESP Exome Variant Server 0.00008.
gnomAD v4.1: 166 of 1,613,204 alleles (0.01%); highest among the groups gnomAD compares: Non-Finnish European, 0.013%; no homozygotes.

Submissions (3):

Labcorp Genetics (formerly Invitae), Labcorp
Classification: Likely benign for Autosomal recessive limb-girdle muscular dystrophy type 2A. Last evaluated: 2025-09-28. Review status: criteria provided, single submitter. Criteria: Invitae Variant Classification Sherloc (09022015). Collection method: clinical testing. Allele origin: germline.

Athena Diagnostics
Classification: Likely benign. Last evaluated: 2021-01-21. Review status: criteria provided, single submitter. Criteria: Athena Diagnostics criteria. Collection method: clinical testing. Allele origin: unknown.

GeneDx
Classification: Likely benign. Last evaluated: 2017-12-14. Review status: criteria provided, single submitter. Criteria: GeneDx Variant Classification (06012015). Collection method: clinical testing. Allele origin: germline. Affected: yes.
Comment: This variant is considered likely benign or benign based on one or more of the following criteria: it is a conservative change, it occurs at a poorly conserved position in the protein, it is predicted to be benign by multiple in silico algorithms, and/or has population frequency not consistent with disease.